The following is an entry in ClinVar:

NM_173660.5(DOK7):c.856G>A (p.Glu286Lys)

Gene: DOK7 (docking protein 7; plus strand). Cytogenetic location: 4p16.3.
Variant type: single nucleotide variant.
Coding change: c.856G>A on transcript NM_173660.5 (MANE Select); coding-DNA position 856, G replaced by A.
Protein change: p.Glu286Lys; replaces glutamic acid 286 with lysine.
Molecular consequence: missense variant. On other transcripts: 3 prime UTR variant (1), 5 prime UTR variant (1).
Genome position (GRCh38, 1-based): chr4:3,492,842, G>A. VCF-style: chr4-3492842-G-A. GRCh37 (hg19) VCF-style: chr4-3494569-G-A.
Other names: c.*77G>A (NM_001164673.2); c.-75G>A (NM_001256896.2); c.856G>A, p.Glu286Lys (NM_001301071.2); c.424G>A, p.Glu142Lys (NM_001363811.2); short protein forms E286K, E142K.
Identifiers: ClinVar variation 639808 (VCV000639808.11), dbSNP rs1577181909, ClinGen allele CA356116106.

ClinVar aggregate classification (germline): Uncertain significance (1 of 4 stars; one submission).

Conditions:
Fetal akinesia deformation sequence 1 (FADS1). Also called: Fetal akinesia sequence; Pena-Shokeir syndrome type I. Identifiers: Orphanet 994, MedGen C1276035, MONDO:0100101, OMIM 208150, HP:0001989.
Congenital myasthenic syndrome 10. Also called: Myasthenia, limb-girdle, familial. Identifiers: Orphanet 590, MedGen C1850792, MONDO:0009690, OMIM 254300.

Allele frequency attached by ClinVar (database versions not stated): gnomAD exomes below 0.00001.
gnomAD v4.1: 1 of 1,612,186 alleles (0.000062%); highest among the groups gnomAD compares: Non-Finnish European, 0.000085%; no homozygotes.

Submission:

Labcorp Genetics (formerly Invitae), Labcorp
Classification: Uncertain significance for Congenital myasthenic syndrome 10; Fetal akinesia deformation sequence 1. Last evaluated: 2019-05-09. Review status: criteria provided, single submitter. Criteria: Invitae Variant Classification Sherloc (09022015). Collection method: clinical testing. Allele origin: germline.
Comment: This sequence change replaces glutamic acid with lysine at codon 286 of the DOK7 protein (p.Glu286Lys). The glutamic acid residue is highly conserved and there is a small physicochemical difference between glutamic acid and lysine. This variant is not present in population databases (ExAC no frequency). This variant has not been reported in the literature in individuals with DOK7-related disease. Algorithms developed to predict the effect of missense changes on protein structure and function are either unavailable or do not agree on the potential impact of this missense change (SIFT: "Deleterious"; PolyPhen-2: "Possibly Damaging"; Align-GVGD: "Class C0"). In summary, the available evidence is currently insufficient to determine the role of this variant in disease. Therefore, it has been classified as a Variant of Uncertain Significance.